The following is an entry in ClinVar:

ClinVar aggregate classification (germline): Likely benign. Review status: criteria provided, single submitter (1 of 4 stars). 2 submissions from 2 submitters: Likely benign (1). 1 of the submissions does not count toward it. Last evaluated 2024-12-02.

Conditions:
MTTP-related disorder. Also called: MTTP-related condition.

Allele frequency attached by ClinVar (database versions not stated): gnomAD exomes below 0.00001 and 0.00001; ExAC 0.00002; TOPMed 0.00005; gnomAD 0.00009; 1000 Genomes Project 30x 0.00016; 1000 Genomes Project 0.00020.
gnomAD v4.1: 22 of 1,614,182 alleles (0.0014%); highest among the groups gnomAD compares: African/African-American, 0.021%; no homozygotes.

Submissions (2):

Labcorp Genetics (formerly Invitae), Labcorp
Classification: Likely benign. Last evaluated: 2024-12-02. Review status: criteria provided, single submitter. Criteria: Invitae Variant Classification Sherloc (09022015). Collection method: clinical testing. Allele origin: germline.

PreventionGenetics, part of Exact Sciences
Classification: Likely benign for MTTP-related condition. Last evaluated: 2020-03-27. Review status: no assertion criteria provided. Collection method: clinical testing. Allele origin: germline. Not counted in ClinVar's aggregate classification.
Comment: This variant is classified as likely benign based on ACMG/AMP sequence variant interpretation guidelines (Richards et al. 2015 PMID: 25741868, with internal and published modifications).

NM_001386140.1(MTTP):c.1605T>C (p.His535=)

Gene: MTTP (microsomal triglyceride transfer protein; plus strand). Cytogenetic location: 4q23.
Variant type: single nucleotide variant.
Coding change: c.1605T>C on transcript NM_001386140.1 (MANE Select); coding-DNA position 1605, T replaced by C.
Protein change: p.His535=; no amino-acid change (histidine 535 retained).
Molecular consequence: synonymous variant.
Genome position (GRCh38, 1-based): chr4:99,608,813, T>C. VCF-style: chr4-99608813-T-C. GRCh37 (hg19) VCF-style: chr4-100529970-T-C.
Other names: c.1605T>C (NM_000253.3); c.1605T>C, p.His535= (NM_000253.4); c.1356T>C, p.His452= (NM_001300785.2).
Identifiers: ClinVar variation 1160921 (VCV001160921.9), dbSNP rs201423951, ClinGen allele CA3022142.
Genomic context (GRCh38, chr4:99,608,813, plus strand): 5'-ATCTTATGAACAGGTGAAGAAGACCTTAAACAGAATATACCACCAAAACCGTAAAGTTCA[T>C]GAAAAGACTGTGCGCACTGCTGCAGCTGCTATCATTTTAAATAACAATCCATCCTACATG-3'
Protein context (NP_001373069.1, residues 525-545): NRIYHQNRKV[His535=]EKTVRTAAAA